The following is an entry in ClinVar:

ClinVar aggregate classification (germline): Conflicting classifications of pathogenicity. Review status: criteria provided, conflicting classifications (1 of 4 stars). 2 submissions from 2 submitters: Uncertain significance (1); Likely benign (1). Last evaluated 2023-03-23.

Conditions:
Hereditary breast ovarian cancer syndrome. Also called: Hereditary breast and/or ovarian cancer syndrome; Breast and ovarian cancer; Hereditary breast and ovarian cancer; BRCA1- and BRCA2-Associated Hereditary Breast and Ovarian Cancer; Hereditary breast and ovarian cancer syndrome; Hereditary breast and ovarian cancer syndrome (HBOC). Identifiers: Orphanet 145, MedGen C0677776, MeSH D061325, MONDO:0003582. Disease mechanism: loss of function.
Hereditary cancer-predisposing syndrome. Also called: Tumor predisposition; Neoplastic Syndromes, Hereditary; Hereditary neoplastic syndrome; Hereditary Cancer Syndrome. Identifiers: Orphanet 140162, MedGen C0027672, MeSH D009386, MONDO:0015356.

Submissions (2):

University of Washington Department of Laboratory Medicine, University of Washington
Classification: Likely benign for Hereditary cancer-predisposing syndrome. Last evaluated: 2023-03-23. Review status: criteria provided, single submitter. Criteria: Dines et al. (Genet Med. 2020). Collection method: curation. Allele origin: germline.
Comment: Missense variant in a coldspot region where missense variants are very unlikely to be pathogenic (PMID:31911673).

BRCA2 exon 10 coldspot. Reclassification based on statistical prior probability.

Labcorp Genetics (formerly Invitae), Labcorp
Classification: Uncertain significance for Hereditary breast ovarian cancer syndrome. Last evaluated: 2021-08-27. Review status: criteria provided, single submitter. Criteria: Invitae Variant Classification Sherloc (09022015). Collection method: clinical testing. Allele origin: germline.
Comment: This variant has not been reported in the literature in individuals affected with BRCA2-related conditions. This sequence change replaces glutamic acid with lysine at codon 340 of the BRCA2 protein (p.Glu340Lys). The glutamic acid residue is weakly conserved and there is a small physicochemical difference between glutamic acid and lysine. This variant is not present in population databases (ExAC no frequency). Advanced modeling of protein sequence and biophysical properties (such as structural, functional, and spatial information, amino acid conservation, physicochemical variation, residue mobility, and thermodynamic stability) performed at Invitae indicates that this missense variant is not expected to disrupt BRCA2 protein function. In summary, the available evidence is currently insufficient to determine the role of this variant in disease. Therefore, it has been classified as a Variant of Uncertain Significance.

NM_000059.4(BRCA2):c.1018G>A (p.Glu340Lys)

Gene: BRCA2 (BRCA2 DNA repair associated; plus strand). Cytogenetic location: 13q13.1.
Variant type: single nucleotide variant.
Coding change: c.1018G>A on transcript NM_000059.4 (MANE Select); coding-DNA position 1018, G replaced by A.
Protein change: p.Glu340Lys; replaces glutamic acid 340 with lysine.
Molecular consequence: missense variant.
Genome position (GRCh38, 1-based): chr13:32,332,496, G>A. VCF-style: chr13-32332496-G-A. GRCh37 (hg19) VCF-style: chr13-32906633-G-A.
Other names: short protein forms E340K.
Identifiers: ClinVar variation 1515592 (VCV001515592.7), dbSNP rs2137466889, ClinGen allele CA387761114.
Genomic context (GRCh38, chr13:32,332,496, plus strand): 5'-CTACAAAAAGTAAGAACTAGCAAGACTAGGAAAAAAATTTTCCATGAAGCAAACGCTGAT[G>A]AATGTGAAAAATCTAAAAACCAAGTGAAAGAAAAATACTCATTTGTATCTGAAGTGGAAC-3'
Protein context (NP_000050.3, residues 330-350): KKIFHEANAD[Glu340Lys]CEKSKNQVKE